The following is an entry in ClinVar:

NC_000010.10:g.(?_76780320)_(76790804_?)dup

Gene: KAT6B (lysine acetyltransferase 6B; plus strand). Cytogenetic location: 10q22.2.
Variant type: Duplication.
Identifiers: ClinVar variation 2425797 (VCV002425797.5).

ClinVar aggregate classification (germline): Uncertain significance (1 of 4 stars; one submission).

Conditions:
Genitopatellar syndrome (GTPTS). Also called: Genitopatellar syndrome (GPS); ABSENT PATELLAE, SCROTAL HYPOPLASIA, RENAL ANOMALIES, FACIAL DYSMORPHISM, AND MENTAL RETARDATION. Identifiers: Orphanet 85201, MedGen C1853566, MONDO:0011640, OMIM 606170.

Submission:

Labcorp Genetics (formerly Invitae), Labcorp
Classification: Uncertain significance for Genitopatellar syndrome. Last evaluated: 2023-12-02. Review status: criteria provided, single submitter. Criteria: Invitae Variant Classification Sherloc (09022015). Collection method: clinical testing. Allele origin: germline.
Comment: This variant results in a copy number gain of the genomic region encompassing exon(s) 14-18 of the KAT6B gene. This region includes the termination codon of the gene. This copy number gain extends beyond the assayed region for this gene and therefore may encompass additional genes. As the precise location of this event is unknown, it may be in tandem or it may be located elsewhere in the genome. This variant has not been reported in the literature in individuals affected with KAT6B-related conditions. In summary, the available evidence is currently insufficient to determine the role of this variant in disease. Therefore, it has been classified as a Variant of Uncertain Significance.